The following is an entry in ClinVar:

ClinVar aggregate classification (germline): Benign/Likely benign. Review status: criteria provided, multiple submitters, no conflicts (2 of 4 stars). 2 submissions from 2 submitters: Benign (1); Likely benign (1). Last evaluated 2026-07-01.

Allele frequency attached by ClinVar (database versions not stated): gnomAD 0.00003; TOPMed 0.00006; ExAC 0.00013; 1000 Genomes Project 0.00020; 1000 Genomes Project 30x 0.00031.
gnomAD v4.1: 30 of 1,614,164 alleles (0.0019%); highest among the groups gnomAD compares: Admixed American, 0.05%; no homozygotes.

Submissions (2):

CeGaT Center for Human Genetics Tuebingen
Classification: Likely benign. Last evaluated: 2026-07-01. Review status: criteria provided, single submitter. Criteria: CeGaT Center For Human Genetics Tuebingen Variant Classification Criteria Version 2. Collection method: clinical testing. Allele origin: germline. Affected: yes. Observed: 1 variant allele.
Comment: KMT2C: BS1

Labcorp Genetics (formerly Invitae), Labcorp
Classification: Benign. Last evaluated: 2023-07-22. Review status: criteria provided, single submitter. Criteria: Invitae Variant Classification Sherloc (09022015). Collection method: clinical testing. Allele origin: germline.

NM_170606.3(KMT2C):c.10773G>T (p.Gln3591His)

Gene: KMT2C (lysine methyltransferase 2C; minus strand). Cytogenetic location: 7q36.1.
Variant type: single nucleotide variant.
Coding change: c.10773G>T on transcript NM_170606.3 (MANE Select); coding-DNA position 10773, G replaced by T.
Protein change: p.Gln3591His; replaces glutamine 3591 with histidine.
Molecular consequence: missense variant.
Genome position (GRCh38, 1-based): chr7:152,162,804, C>A on the plus strand (G>T on the coding strand, the complement: KMT2C is on the minus strand). VCF-style: chr7-152162804-C-A. GRCh37 (hg19) VCF-style: chr7-151859889-C-A.
Other names: short protein forms Q3591H.
Identifiers: ClinVar variation 1916033 (VCV001916033.6), dbSNP rs200173988, ClinGen allele CA4579226.